The following is an entry in ClinVar:

ClinVar aggregate classification (germline): Conflicting classifications of pathogenicity. Review status: criteria provided, conflicting classifications (1 of 4 stars). 6 submissions from 6 submitters: Uncertain significance (5); Likely benign (1). Last evaluated 2026-06-03.

Conditions:
Hereditary ataxia. Also called: Hereditary Ataxias. Identifiers: Orphanet 183518, MedGen C0004138, MONDO:0100309, MONDO:0000557.
Charcot-Marie-Tooth disease. Also called: Charcot-Marie-Tooth Neuropathy; Charcot-Marie-Tooth Hereditary Neuropathy. Identifiers: Orphanet 166, MedGen C0007959, MONDO:0015626.
Charcot-Marie-Tooth disease type 1C. Also called: CHARCOT-MARIE-TOOTH DISEASE, DEMYELINATING, TYPE 1C; CMT, SLOW NERVE CONDUCTION TYPE C; HMSN IC; NEUROPATHY, HEREDITARY MOTOR AND SENSORY, TYPE IC; CHARCOT-MARIE-TOOTH NEUROPATHY, TYPE 1C; Charcot-Marie-Tooth disease, type IC. Identifiers: Orphanet 101083, MedGen C0270913, MONDO:0010995, OMIM 601098.
LITAF-related disorder. Also called: LITAF-related condition.

Allele frequency attached by ClinVar (database versions not stated): TOPMed 0.00003; gnomAD 0.00008 and 0.00009; ExAC 0.00009; gnomAD exomes 0.00010; ESP Exome Variant Server 0.00023.
gnomAD v4.1: 111 of 1,613,942 alleles (0.0069%); highest among the groups gnomAD compares: South Asian, 0.029%; no homozygotes.

Submissions (6):

PreventionGenetics, part of Exact Sciences
Classification: Uncertain significance for LITAF-related condition. Last evaluated: 2026-06-03. Review status: criteria provided, single submitter. Criteria: ACMG Guidelines, 2015. Collection method: clinical testing. Allele origin: germline.
Comment: The LITAF c.268C>T variant is predicted to result in the amino acid substitution p.Arg90Cys. This variant was reported as a variant of uncertain significance in an individual from a large cohort study of Charcot-Marie-Tooth disease; however, additional evidence was not provided (Volodarsky et al. 2021. PubMed ID: 32376792). This variant is reported in 0.028% of alleles in individuals of Latino descent in gnomAD, which may be too frequent to be a primary cause of disease. Although we suspect that this variant may be benign, at this time, the clinical significance of this variant is uncertain due to the absence of conclusive functional and genetic evidence.

Labcorp Genetics (formerly Invitae), Labcorp
Classification: Uncertain significance for Charcot-Marie-Tooth disease type 1C. Last evaluated: 2025-09-23. Review status: criteria provided, single submitter. Criteria: Invitae Variant Classification Sherloc (09022015). Collection method: clinical testing. Allele origin: germline.
Comment: This sequence change replaces arginine, which is basic and polar, with cysteine, which is neutral and slightly polar, at codon 90 of the LITAF protein (p.Arg90Cys). This variant is present in population databases (rs375665454, gnomAD 0.03%), and has an allele count higher than expected for a pathogenic variant. This missense change has been observed in individual(s) with Charcot-Marie-Tooth disease (PMID: 32376792). ClinVar contains an entry for this variant (Variation ID: 641266). An algorithm developed to predict the effect of missense changes on protein structure and function (PolyPhen-2) suggests that this variant is likely to be disruptive. In summary, the available evidence is currently insufficient to determine the role of this variant in disease. Therefore, it has been classified as a Variant of Uncertain Significance.

Women's Health and Genetics/Laboratory Corporation of America, LabCorp
Classification: Uncertain significance. Last evaluated: 2023-02-14. Review status: criteria provided, single submitter. Criteria: LabCorp Variant Classification Summary - May 2015. Collection method: clinical testing. Allele origin: germline.
Comment: Variant summary: LITAF c.268C>T (p.Arg90Cys) results in a non-conservative amino acid change located in the LPS-induced tumour necrosis factor alpha factor domain (IPR006629) of the encoded protein sequence. Four of five in-silico tools predict a damaging effect of the variant on protein function. The variant allele was found at a frequency of 9.6e-05 in 251016 control chromosomes. c.268C>T has been reported in the literature in individuals affected with Charcot-Marie Disease Type 1C (Volodarsky_2020). This report does not provide unequivocal conclusions about association of the variant with Charcot-Marie Disease Type 1C. To our knowledge, no experimental evidence demonstrating an impact on protein function has been reported. Two ClinVar submitters have submitted clinical-significance assessments for this variant to ClinVar after 2014. All laboratories classified the variant as uncertain significance (n=2). Based on the evidence outlined above, the variant was classified as uncertain significance.

ARUP Laboratories, Molecular Genetics and Genomics, ARUP Laboratories
Classification: Uncertain significance for Charcot-Marie-Tooth disease type 1C. Last evaluated: 2022-02-10. Review status: criteria provided, single submitter. Criteria: ARUP Molecular Germline Variant Investigation Process 2021. Collection method: clinical testing. Allele origin: germline.
Comment: The LITAF c.268C>T; p.Arg90Cys variant (rs375665454) is reported in the literature in an individual with Charcot-Marie-Tooth (CMT) disease (Volodarsky 2021), and it is also reported in ClinVar (Variation ID: 641266). This variant is found in the general population with an overall allele frequency of 0.009% (26/282380 alleles) in the Genome Aggregation Database. The arginine at codon 90 is highly conserved, but computational analyses are uncertain whether this variant is neutral or deleterious (REVEL: 0.656). Due to limited information, the clinical significance of this variant is uncertain at this time. References: Volodarsky M et al. Comprehensive genetic sequence and copy number analysis for Charcot-Marie-Tooth disease in a Canadian cohort of 2517 patients. J Med Genet. 2021 Apr;58(4):284-288. PMID: 32376792.

Cambridge Genomics Laboratory, East Genomic Laboratory Hub, NHS Genomic Medicine Service
Classification: Likely benign for Hereditary ataxia. Last evaluated: 2019-12-06. Review status: criteria provided, single submitter. Criteria: ACGS Best Practice Guidelines for Variant Classification in Rare Disease 2020. Collection method: clinical testing. Allele origin: germline. Affected: yes. Observed: 1 variant allele.

Molecular Genetics Laboratory, London Health Sciences Centre
Classification: Uncertain significance for Charcot-Marie-Tooth disease. Review status: criteria provided, single submitter. Criteria: ACMG Guidelines, 2015. Collection method: clinical testing. Allele origin: germline. Affected: yes.

Literature cited by the submitters: PubMed 32376792 (cited by Labcorp Genetics (formerly Invitae), Labcorp and Women's Health and Genetics/Laboratory Corporation of America, LabCorp).

NM_001136472.2(LITAF):c.268C>T (p.Arg90Cys)

Gene: LITAF (lipopolysaccharide induced TNF factor; minus strand). Cytogenetic location: 16p13.13.
Variant type: single nucleotide variant.
Coding change: c.268C>T on transcript NM_001136472.2 (MANE Select); coding-DNA position 268, C replaced by T.
Protein change: p.Arg90Cys; replaces arginine 90 with cysteine.
Molecular consequence: missense variant. On other transcripts: non-coding transcript variant (1).
Genome position (GRCh38, 1-based): chr16:11,553,642, G>A on the plus strand (C>T on the coding strand, the complement: LITAF is on the minus strand). VCF-style: chr16-11553642-G-A. GRCh37 (hg19) VCF-style: chr16-11647498-G-A.
Other names: c.268C>T, p.Arg90Cys (NM_001136473.1, NM_004862.4); short protein forms R90C.
Identifiers: ClinVar variation 641266 (VCV000641266.19), dbSNP rs375665454, ClinGen allele CA7904097.